The following is an entry in ClinVar:

ClinVar aggregate classification (germline): Uncertain significance (1 of 4 stars; one submission).

Conditions:
Combined oxidative phosphorylation defect type 27. Also called: Combined oxidative phosphorylation deficiency 27. Identifiers: Orphanet 477774, MedGen C5567608, MONDO:0014728, OMIM 616672.

Submission:

Labcorp Genetics (formerly Invitae), Labcorp
Classification: Uncertain significance for Combined oxidative phosphorylation defect type 27. Last evaluated: 2021-08-24. Review status: criteria provided, single submitter. Criteria: Invitae Variant Classification Sherloc (09022015). Collection method: clinical testing. Allele origin: germline.
Comment: This variant, c.946_948del, results in the deletion of 1 amino acid(s) of the CARS2 protein (p.Glu316del), but otherwise preserves the integrity of the reading frame. This variant is not present in population databases (ExAC no frequency). This variant has not been reported in the literature in individuals affected with CARS2-related conditions. Experimental studies and prediction algorithms are not available or were not evaluated, and the functional significance of this variant is currently unknown. In summary, the available evidence is currently insufficient to determine the role of this variant in disease. Therefore, it has been classified as a Variant of Uncertain Significance.

NM_024537.4(CARS2):c.943GAA[1] (p.Glu316del)

Gene: CARS2 (cysteinyl-tRNA synthetase 2, mitochondrial; minus strand). Cytogenetic location: 13q34.
Variant type: Microsatellite.
Coding change: c.943GAA[1] on transcript NM_024537.4 (MANE Select); one copy of the 3-base unit GAA starting at c.943; the reference has two copies in a row; one copy, 3 bases deleted.
Protein change: p.Glu316del; deletes glutamic acid 316.
Molecular consequence: inframe deletion. On other transcripts: 3 prime UTR variant (1), non-coding transcript variant (2).
Genome position (GRCh38, 1-based): chr13:110,663,490-110,663,492, TTC deleted on the plus strand (GAA on the coding strand, the reverse complement: CARS2 is on the minus strand); deleting any 3 consecutive bases within chr13:110,663,490-110,663,497 gives the same sequence; the position shown is the placement nearest the transcript's 3' end. VCF-style (leftmost placement, unchanged base first): chr13-110663489-TTTC-T. GRCh37 (hg19) VCF-style: chr13-111315836-TTTC-T.
Other names: c.157GAA[1], p.Glu54del (NM_001352252.2); c.*415GAA[1] (NM_001352253.3); short protein forms E54del, E316del.
Identifiers: ClinVar variation 1038346 (VCV001038346.6), dbSNP rs2062565908, ClinGen allele CA2118977068.